The following is an entry in ClinVar:

NM_005228.5(EGFR):c.3497G>A (p.Ser1166Asn)

Gene: EGFR (epidermal growth factor receptor; plus strand). Cytogenetic location: 7p11.2.
Variant type: single nucleotide variant.
Coding change: c.3497G>A on transcript NM_005228.5 (MANE Select); coding-DNA position 3497, G replaced by A.
Protein change: p.Ser1166Asn; replaces serine 1166 with asparagine.
Molecular consequence: missense variant.
Genome position (GRCh38, 1-based): chr7:55,205,481, G>A. VCF-style: chr7-55205481-G-A. GRCh37 (hg19) VCF-style: chr7-55273174-G-A.
Other names: c.3362G>A, p.Ser1121Asn (NM_001346899.2); c.3338G>A, p.Ser1113Asn (NM_001346900.2); c.2696G>A, p.Ser899Asn (NM_001346941.2); short protein forms S1166N, S899N, S1113N, S1121N.
Identifiers: ClinVar variation 2008519 (VCV002008519.5), dbSNP rs1788073880, ClinGen allele CA367584753.

ClinVar aggregate classification (germline): Conflicting classifications of pathogenicity. Review status: criteria provided, conflicting classifications (1 of 4 stars). 2 submissions from 2 submitters: Uncertain significance (1); Likely benign (1). Last evaluated 2026-01-02.

Conditions:
Hereditary cancer-predisposing syndrome. Also called: Neoplastic Syndromes, Hereditary; Tumor predisposition; Hereditary Cancer Syndrome; Hereditary neoplastic syndrome. Identifiers: Orphanet 140162, MedGen C0027672, MeSH D009386, MONDO:0015356.
EGFR-related lung cancer (EGFR). Identifiers: MedGen CN130014.

Allele frequency attached by ClinVar (database versions not stated): gnomAD exomes below 0.00001; gnomAD 0.00001.
gnomAD v4.1: 3 of 1,614,028 alleles (0.00019%); highest among the groups gnomAD compares: South Asian, 0.0022%; no homozygotes.

Submissions (2):

Ambry Genetics
Classification: Likely benign for Hereditary cancer-predisposing syndrome. Last evaluated: 2026-01-02. Review status: criteria provided, single submitter. Criteria: Ambry Variant Classification Scheme 2023. Collection method: clinical testing. Allele origin: germline.

Labcorp Genetics (formerly Invitae), Labcorp
Classification: Uncertain significance for EGFR-related lung cancer. Last evaluated: 2022-12-29. Review status: criteria provided, single submitter. Criteria: Invitae Variant Classification Sherloc (09022015). Collection method: clinical testing. Allele origin: germline.
Comment: Algorithms developed to predict the effect of missense changes on protein structure and function output the following: SIFT: "Tolerated"; PolyPhen-2: "Benign"; Align-GVGD: "Class C0". The asparagine amino acid residue is found in multiple mammalian species, which suggests that this missense change does not adversely affect protein function. This variant has not been reported in the literature in individuals affected with EGFR-related conditions. This variant is not present in population databases (gnomAD no frequency). This sequence change replaces serine, which is neutral and polar, with asparagine, which is neutral and polar, at codon 1166 of the EGFR protein (p.Ser1166Asn). In summary, the available evidence is currently insufficient to determine the role of this variant in disease. Therefore, it has been classified as a Variant of Uncertain Significance.